The following is an entry in ClinVar:

NM_014249.4(NR2E3):c.571G>A (p.Ala191Thr)

Gene: NR2E3 (nuclear receptor subfamily 2 group E member 3; plus strand). Cytogenetic location: 15q23.
Variant type: single nucleotide variant.
Coding change: c.571G>A on transcript NM_014249.4 (MANE Select); coding-DNA position 571, G replaced by A.
Protein change: p.Ala191Thr; replaces alanine 191 with threonine.
Molecular consequence: missense variant.
Genome position (GRCh38, 1-based): chr15:71,812,176, G>A. VCF-style: chr15-71812176-G-A. GRCh37 (hg19) VCF-style: chr15-72104516-G-A.
Other names: c.571G>A, p.Ala191Thr (NM_016346.4); short protein forms A191T.
Identifiers: ClinVar variation 317016 (VCV000317016.9), dbSNP rs779518180, ClinGen allele CA7640331.

ClinVar aggregate classification (germline): Uncertain significance. Review status: criteria provided, multiple submitters, no conflicts (2 of 4 stars). 4 submissions from 3 submitters: Uncertain significance (3). 1 of the submissions does not count toward it. Last evaluated 2025-12-05.

Conditions:
Enhanced S-cone syndrome (ESCS). Identifiers: Orphanet 53540, MedGen C1849394, MONDO:0100288, MONDO:0009989.
Retinitis pigmentosa (RP). Identifiers: Orphanet 791, MedGen C0035334, MeSH D012174, MONDO:0019200, OMIM 268000. Inheritance: Autosomal dominant, autosomal recessive and X linked inheritance.
Retinitis pigmentosa 37 (RP37). Identifiers: Orphanet 791, MedGen C1970163, MONDO:0012625, OMIM 611131.

Allele frequency attached by ClinVar (database versions not stated): gnomAD 0.00001; gnomAD exomes 0.00001 and 0.00002; TOPMed 0.00002; ExAC 0.00006.

Submissions (4):

Labcorp Genetics (formerly Invitae), Labcorp
Classification: Uncertain significance. Last evaluated: 2025-12-05. Review status: criteria provided, single submitter. Criteria: Invitae Variant Classification Sherloc (09022015). Collection method: clinical testing. Allele origin: germline.
Comment: This sequence change replaces alanine, which is neutral and non-polar, with threonine, which is neutral and polar, at codon 191 of the NR2E3 protein (p.Ala191Thr). This variant also falls at the last nucleotide of exon 4, which is part of the consensus splice site for this exon. This variant is present in population databases (rs779518180, gnomAD 0.04%). This variant has not been reported in the literature in individuals affected with NR2E3-related conditions. ClinVar contains an entry for this variant (Variation ID: 317016). Experimental studies and prediction algorithms are not available or were not evaluated, and the functional significance of this variant is currently unknown. Variants that disrupt the consensus splice site are a relatively common cause of aberrant splicing (PMID: 17576681, 9536098). Algorithms developed to predict the effect of sequence changes on RNA splicing suggest that this variant may disrupt the consensus splice site. In summary, the available evidence is currently insufficient to determine the role of this variant in disease. Therefore, it has been classified as a Variant of Uncertain Significance.

Illumina Laboratory Services, Illumina
Classification: Uncertain significance for ENHANCED S-CONE SYNDROME 1. Last evaluated: 2018-01-13. Review status: criteria provided, single submitter. Criteria: ICSL Variant Classification Criteria 13 December 2019. Collection method: clinical testing. Allele origin: germline.

Illumina Laboratory Services, Illumina
Classification: Uncertain significance for Retinitis pigmentosa. Last evaluated: 2018-01-13. Review status: criteria provided, single submitter. Criteria: ICSL Variant Classification Criteria 13 December 2019. Collection method: clinical testing. Allele origin: germline.

Counsyl
Classification: Uncertain significance for Retinitis pigmentosa 37; ENHANCED S-CONE SYNDROME 1. Last evaluated: 2017-07-12. Review status: no assertion criteria provided. Collection method: clinical testing. Allele origin: unknown. Not counted in ClinVar's aggregate classification.

Literature cited by the submitters: PubMed 17576681 (cited by Labcorp Genetics (formerly Invitae), Labcorp); PubMed 9536098 (cited by Labcorp Genetics (formerly Invitae), Labcorp).